The following is an entry in ClinVar:

NM_052874.5(STX1B):c.265C>T (p.Arg89Trp)

Gene: STX1B (syntaxin 1B; minus strand). Cytogenetic location: 16p11.2.
Variant type: single nucleotide variant.
Coding change: c.265C>T on transcript NM_052874.5 (MANE Select); coding-DNA position 265, C replaced by T.
Protein change: p.Arg89Trp; replaces arginine 89 with tryptophan.
Molecular consequence: missense variant.
Genome position (GRCh38, 1-based): chr16:31,000,943, G>A on the plus strand (C>T on the coding strand, the complement: STX1B is on the minus strand). VCF-style: chr16-31000943-G-A. GRCh37 (hg19) VCF-style: chr16-31012264-G-A.
Other names: short protein forms R89W.
Identifiers: ClinVar variation 1361419 (VCV001361419.7), dbSNP rs2143677205, ClinGen allele CA395650949.
Genomic context (GRCh38, chr16:31,000,943, plus strand): 5'-ACCCACAATTCTTTTCCTTCCTGGTTGAGGGATTGTACTCCTCACCTTTCAATTTGGACC[G>A]AACCTTGTTGGCCGTCTTCTTGATGTCTGCAGTGAGATCCTCCAGCTCCTGTTTGGTCTC-3'
Protein context (NP_443106.1, residues 79-99): ADIKKTANKV[Arg89Trp]SKLKAIEQSI

ClinVar aggregate classification (germline): Uncertain significance. Review status: criteria provided, multiple submitters, no conflicts (2 of 4 stars). 2 submissions from 2 submitters: Uncertain significance (2). Last evaluated 2022-06-06.

Conditions:
Generalized epilepsy with febrile seizures plus, type 9 (GEFSP9). Also called: GEFS+, TYPE 9. Identifiers: Orphanet 36387, MedGen C4015395, MONDO:0014517, OMIM 616172.

Submissions (2):

GeneDx
Classification: Uncertain significance. Last evaluated: 2022-06-06. Review status: criteria provided, single submitter. Criteria: GeneDx Variant Classification Process June 2021. Collection method: clinical testing. Allele origin: germline. Affected: yes.
Comment: Not observed at significant frequency in large population cohorts (gnomAD); In silico analysis supports that this missense variant has a deleterious effect on protein structure/function; Has not been previously published as pathogenic or benign to our knowledge

Labcorp Genetics (formerly Invitae), Labcorp
Classification: Uncertain significance for Generalized epilepsy with febrile seizures plus, type 9. Last evaluated: 2021-09-07. Review status: criteria provided, single submitter. Criteria: Invitae Variant Classification Sherloc (09022015). Collection method: clinical testing. Allele origin: germline.
Comment: This sequence change replaces arginine with tryptophan at codon 89 of the STX1B protein (p.Arg89Trp). The arginine residue is highly conserved and there is a moderate physicochemical difference between arginine and tryptophan. This variant is not present in population databases (ExAC no frequency). This variant has not been reported in the literature in individuals affected with STX1B-related conditions. Algorithms developed to predict the effect of missense changes on protein structure and function (SIFT, PolyPhen-2, Align-GVGD) all suggest that this variant is likely to be disruptive. In summary, the available evidence is currently insufficient to determine the role of this variant in disease. Therefore, it has been classified as a Variant of Uncertain Significance.